The following is an entry in ClinVar:

ClinVar aggregate classification (germline): Uncertain significance (1 of 4 stars; one submission).

Submission:

Ambry Genetics
Classification: Uncertain significance. Last evaluated: 2026-06-16. Review status: criteria provided, single submitter. Criteria: Ambry Variant Classification Scheme 2023. Collection method: clinical testing. Allele origin: germline.
Comment: The p.T64A variant (also known as c.190A>G), located in coding exon 1 of the RNF43 gene, results from an A to G substitution at nucleotide position 190. The threonine at codon 64 is replaced by alanine, an amino acid with similar properties. This amino acid position is conserved. In addition, this alteration is predicted to be tolerated by in silico analysis. Based on the available evidence, the clinical significance of this variant remains unclear.

NM_017763.6(RNF43):c.190A>G (p.Thr64Ala)

Gene: RNF43 (ring finger protein 43; minus strand). Cytogenetic location: 17q22.
Variant type: single nucleotide variant.
Coding change: c.190A>G on transcript NM_017763.6 (MANE Select); coding-DNA position 190, A replaced by G.
Protein change: p.Thr64Ala; replaces threonine 64 with alanine.
Molecular consequence: missense variant. On other transcripts: intron variant (1).
Genome position (GRCh38, 1-based): chr17:58,415,388, T>C on the plus strand (A>G on the coding strand, the complement: RNF43 is on the minus strand). VCF-style: chr17-58415388-T-C. GRCh37 (hg19) VCF-style: chr17-56492749-T-C.
Other names: c.190A>G, p.Thr64Ala (NM_001305544.3, NM_001438820.1, NM_001438821.1 and 1 more transcripts); c.-130+1629A>G (NM_001437987.1); short protein forms T64A.
Identifiers: ClinVar variation 5028314 (VCV005028314.1).